The following is an entry in ClinVar:

NM_145868.2(ANXA11):c.1006C>T (p.Arg336Trp)

Gene: ANXA11 (annexin A11; minus strand). Cytogenetic location: 10q22.3.
Variant type: single nucleotide variant.
Coding change: c.1006C>T on transcript NM_145868.2 (MANE Select); coding-DNA position 1006, C replaced by T.
Protein change: p.Arg336Trp; replaces arginine 336 with tryptophan.
Molecular consequence: missense variant.
Genome position (GRCh38, 1-based): chr10:80,163,557, G>A on the plus strand (C>T on the coding strand, the complement: ANXA11 is on the minus strand). VCF-style: chr10-80163557-G-A. GRCh37 (hg19) VCF-style: chr10-81923313-G-A.
Other names: c.1006C>T, p.Arg336Trp (NM_001278407.2, NM_001278408.2, NM_145869.2 and 1 more transcripts); c.907C>T, p.Arg303Trp (NM_001278409.2); short protein forms R303W, R336W.
Identifiers: ClinVar variation 1498154 (VCV001498154.8), dbSNP rs368700483, ClinGen allele CA5575991.
Genomic context (GRCh38, chr10:80,163,557, plus strand): 5'-GGCTTGGGGGCCCCGAGCCCTGTCGTGGGAAAAGTACCTGAGAGAGAGAGATGAGGAGCC[G>A]CTGGAAGTGCCCTGATGTGTCGCTTCGAATGGCCTCTTCCAGGGTCTTTTTGAATTCTGA-3'
Protein context (NP_665875.1, residues 326-346): IRSDTSGHFQ[Arg336Trp]LLISLSQGNR

ClinVar aggregate classification (germline): Uncertain significance (1 of 4 stars; one submission).

Allele frequency attached by ClinVar (database versions not stated): gnomAD exomes 0.00003; TOPMed 0.00003; gnomAD 0.00004; ExAC 0.00006; ESP Exome Variant Server 0.00008.

Submission:

Labcorp Genetics (formerly Invitae), Labcorp
Classification: Uncertain significance. Last evaluated: 2024-04-03. Review status: criteria provided, single submitter. Criteria: Invitae Variant Classification Sherloc (09022015). Collection method: clinical testing. Allele origin: germline.
Comment: This sequence change replaces arginine, which is basic and polar, with tryptophan, which is neutral and slightly polar, at codon 336 of the ANXA11 protein (p.Arg336Trp). The frequency data for this variant in the population databases is considered unreliable, as metrics indicate poor data quality at this position in the gnomAD database. This variant has not been reported in the literature in individuals affected with ANXA11-related conditions. ClinVar contains an entry for this variant (Variation ID: 1498154). An algorithm developed to predict the effect of missense changes on protein structure and function (PolyPhen-2) suggests that this variant is likely to be disruptive. In summary, the available evidence is currently insufficient to determine the role of this variant in disease. Therefore, it has been classified as a Variant of Uncertain Significance.